The following is an entry in ClinVar:

ClinVar aggregate classification (germline): Pathogenic/Likely pathogenic. Review status: criteria provided, multiple submitters, no conflicts (2 of 4 stars). 7 submissions from 7 submitters: Pathogenic (2); Likely pathogenic (3). 2 of the submissions do not count toward it. Last evaluated 2025-09-16.

Conditions:
Niemann-Pick disease, type C2 (NPC2). Identifiers: Orphanet 646, MedGen C1843366, MONDO:0011873, OMIM 607625.

Allele frequency attached by ClinVar (database versions not stated): gnomAD exomes 0.00002 and 0.00004; TOPMed 0.00002; 1000 Genomes Project 0.00020; gnomAD 0.00001 and 0.00002; ExAC 0.00009; 1000 Genomes Project 30x 0.00016.
gnomAD v4.1: 31 of 1,583,322 alleles (0.002%); highest among the groups gnomAD compares: South Asian, 0.0058%; no homozygotes.

Submissions (7):

Natera, Inc.
Classification: Pathogenic for Niemann-Pick disease type C2. Last evaluated: 2025-09-16. Review status: criteria provided, single submitter. Criteria: Natera Variant Classification Schema (03/2026). Collection method: clinical testing. Allele origin: germline.
Comment: The c.190+5G>A variant in NPC2 is an intronic variant located outside the canonical splice sites. This variant is rare in the general population with a frequency below the threshold expected for the associated phenotype(s). This variant has been observed in one or more individuals affected with the associated recessive disease, as either homozygous or compound heterozygous with a second variant (PMID: 11567215, 28105569, 24915861). Additionally, this variant has been observed to segregate in affected family members (PMID: 11567215). Functional studies show that this variant may disrupt protein function (PMID: 11567215). Computational prediction algorithms indicate this variant is likely to affect gene or protein function. Given the available evidence, this variant is classified as Pathogenic.

Labcorp Genetics (formerly Invitae), Labcorp
Classification: Likely pathogenic for Niemann-Pick disease, type C2. Last evaluated: 2025-01-19. Review status: criteria provided, single submitter. Criteria: Invitae Variant Classification Sherloc (09022015). Collection method: clinical testing. Allele origin: germline.
Comment: This sequence change falls in intron 2 of the NPC2 gene. It does not directly change the encoded amino acid sequence of the NPC2 protein. RNA analysis indicates that this variant induces altered splicing and may result in an absent or altered protein product. This variant is present in population databases (rs80358268, gnomAD 0.01%). This variant has been observed in individuals with Niemann-Pick type C disease (PMID: 11567215, 28105569). This variant is also known as IVS2+5G>A. ClinVar contains an entry for this variant (Variation ID: 8479). Variants that disrupt the consensus splice site are a relatively common cause of aberrant splicing (PMID: 17576681, 9536098). Studies have shown that this variant results in abnormal RNA spliceforms, and produces a non-functional protein and/or introduces a premature termination codon (PMID: 11567215). In summary, the currently available evidence indicates that the variant is pathogenic, but additional data are needed to prove that conclusively. Therefore, this variant has been classified as Likely Pathogenic.

Genomic Research Center, Shahid Beheshti University of Medical Sciences
Classification: Pathogenic for Niemann-Pick disease, type C2. Last evaluated: 2024-09-01. Review status: criteria provided, single submitter. Criteria: ACMG Guidelines, 2015. Collection method: clinical testing. Allele origin: inherited. Affected: yes. Observed: 1 variant allele.

Fulgent Genetics
Classification: Likely pathogenic for Niemann-Pick disease, type C2. Last evaluated: 2024-06-05. Review status: criteria provided, single submitter. Criteria: ACMG Guidelines, 2015. Collection method: clinical testing. Allele origin: germline.

Revvity Omics, Revvity
Classification: Likely pathogenic for Niemann-Pick disease, type C2. Last evaluated: 2021-02-16. Review status: criteria provided, single submitter. Criteria: ACMG Guidelines, 2015. Collection method: clinical testing. Allele origin: germline.

OMIM
Classification: Pathogenic for NIEMANN-PICK DISEASE, TYPE C2. Last evaluated: 2001-11-01. Review status: no assertion criteria provided. Collection method: literature only. Allele origin: germline. Not counted in ClinVar's aggregate classification.

GeneReviews
No classification provided. Condition: Niemann-Pick disease, type C2. Review status: no classification provided. Collection method: literature only. Allele origin: unknown. Not counted in ClinVar's aggregate classification.

Literature cited by the submitters: PubMed 11567215 (cited by 4 submitters); PubMed 28105569 (cited by Natera, Inc. and Labcorp Genetics (formerly Invitae), Labcorp); PubMed 24915861 (cited by Natera, Inc.); PubMed 17576681 (cited by Labcorp Genetics (formerly Invitae), Labcorp); PubMed 9536098 (cited by Labcorp Genetics (formerly Invitae), Labcorp); PubMed 20301473 (cited by GeneReviews); NCBI Bookshelf NBK1296 (cited by GeneReviews).

NM_006432.5(NPC2):c.190+5G>A

Gene: NPC2 (NPC intracellular cholesterol transporter 2; minus strand). Cytogenetic location: 14q24.3.
Variant type: single nucleotide variant.
Coding change: c.190+5G>A on transcript NM_006432.5 (MANE Select); 5 bases into the intron after coding-DNA position 190, G replaced by A.
Molecular consequence: intron variant.
Genome position (GRCh38, 1-based): chr14:74,486,324, C>T on the plus strand (G>A on the coding strand, the complement: NPC2 is on the minus strand). VCF-style: chr14-74486324-C-T. GRCh37 (hg19) VCF-style: chr14-74953027-C-T.
Other names: IVS2, G-A, +5; c.190+5G>A (NM_001363688.1, NM_001375440.1).
Identifiers: ClinVar variation 8479 (VCV000008479.27), dbSNP rs80358268, ClinGen allele CA340790.